The following is an entry in ClinVar:

ClinVar aggregate classification (germline): Uncertain significance (1 of 4 stars; one submission).

Conditions:
Congenital insensitivity to pain-hypohidrosis syndrome. Also called: HSAN VIII; Neuropathy, hereditary sensory and autonomic, type VIII. Identifiers: Orphanet 478664, MedGen C4225308, MONDO:0014662, OMIM 616488.

Submission:

Labcorp Genetics (formerly Invitae), Labcorp
Classification: Uncertain significance for Congenital insensitivity to pain-hypohidrosis syndrome. Last evaluated: 2022-04-15. Review status: criteria provided, single submitter. Criteria: Invitae Variant Classification Sherloc (09022015). Collection method: clinical testing. Allele origin: germline.
Comment: In summary, the available evidence is currently insufficient to determine the role of this variant in disease. Therefore, it has been classified as a Variant of Uncertain Significance. Algorithms developed to predict the effect of missense changes on protein structure and function are either unavailable or do not agree on the potential impact of this missense change (SIFT: "Deleterious"; PolyPhen-2: "Benign"; Align-GVGD: "Class C15"). This variant has not been reported in the literature in individuals affected with PRDM12-related conditions. This variant is not present in population databases (gnomAD no frequency). This sequence change replaces aspartic acid, which is acidic and polar, with alanine, which is neutral and non-polar, at codon 221 of the PRDM12 protein (p.Asp221Ala).

NM_021619.3(PRDM12):c.662A>C (p.Asp221Ala)

Gene: PRDM12 (PR/SET domain 12; plus strand). Cytogenetic location: 9q34.12.
Variant type: single nucleotide variant.
Coding change: c.662A>C on transcript NM_021619.3 (MANE Select); coding-DNA position 662, A replaced by C.
Protein change: p.Asp221Ala; replaces aspartic acid 221 with alanine.
Molecular consequence: missense variant.
Genome position (GRCh38, 1-based): chr9:130,678,620, A>C. VCF-style: chr9-130678620-A-C. GRCh37 (hg19) VCF-style: chr9-133554007-A-C.
Other names: short protein forms D221A.
Identifiers: ClinVar variation 2126604 (VCV002126604.4), dbSNP rs1372626501, ClinGen allele CA375243879.
Genomic context (GRCh38, chr9:130,678,620, plus strand): 5'-GGTACGGAAACTCACACAACACCTTCCTGGGGATCCCAGGTGTGCCCGGGCTAGAGGAGG[A>C]CCAGAAAAAGAACAAGCATGGTAGGTGTTCCCCATGGGGCCGCTGAGACACAGACCCATG-3'
Protein context (NP_067632.2, residues 211-231): GIPGVPGLEE[Asp221Ala]QKKNKHEDFH